The following is an entry in ClinVar:

NM_001001331.4(ATP2B2):c.1687C>T (p.Arg563Trp)

Gene: ATP2B2 (ATPase plasma membrane Ca2+ transporting 2; minus strand). Cytogenetic location: 3p25.3.
Variant type: single nucleotide variant.
Coding change: c.1687C>T on transcript NM_001001331.4 (MANE Select); coding-DNA position 1687, C replaced by T.
Protein change: p.Arg563Trp; replaces arginine 563 with tryptophan.
Molecular consequence: missense variant.
Genome position (GRCh38, 1-based): chr3:10,360,096, G>A on the plus strand (C>T on the coding strand, the complement: ATP2B2 is on the minus strand). VCF-style: chr3-10360096-G-A. GRCh37 (hg19) VCF-style: chr3-10401780-G-A.
Other names: c.1552C>T, p.Arg518Trp (NM_001330611.3, NM_001353564.1, NM_001363862.1 and 1 more transcripts); short protein forms R563W, R518W.
Identifiers: ClinVar variation 2983732 (VCV002983732.3), dbSNP rs768204746, ClinGen allele CA2253597.

ClinVar aggregate classification (germline): Uncertain significance (1 of 4 stars; one submission).

gnomAD v4.1: 31 of 1,601,440 alleles (0.0019%); highest among the groups gnomAD compares: African/African-American, 0.0027%; no homozygotes.

Submission:

Labcorp Genetics (formerly Invitae), Labcorp
Classification: Uncertain significance. Last evaluated: 2026-01-05. Review status: criteria provided, single submitter. Criteria: Invitae Variant Classification Sherloc (09022015). Collection method: clinical testing. Allele origin: germline.
Comment: This sequence change replaces arginine, which is basic and polar, with tryptophan, which is neutral and slightly polar, at codon 518 of the ATP2B2 protein (p.Arg518Trp). This variant is present in population databases (rs768204746, gnomAD 0.004%). This variant has not been reported in the literature in individuals affected with ATP2B2-related conditions. ClinVar contains an entry for this variant (Variation ID: 2983732). Invitae Evidence Modeling of protein sequence and biophysical properties (such as structural, functional, and spatial information, amino acid conservation, physicochemical variation, residue mobility, and thermodynamic stability) indicates that this missense variant is not expected to disrupt ATP2B2 protein function with a negative predictive value of 80%. In summary, the available evidence is currently insufficient to determine the role of this variant in disease. Therefore, it has been classified as a Variant of Uncertain Significance.